The following is an entry in ClinVar:

ClinVar aggregate classification (germline): Uncertain significance (1 of 4 stars; one submission).

Allele frequency attached by ClinVar (database versions not stated): gnomAD exomes below 0.00001; gnomAD 0.00001.
gnomAD v4.1: 5 of 1,577,088 alleles (0.00032%); highest among the groups gnomAD compares: African/African-American, 0.0027%; no homozygotes.

Submission:

Labcorp Genetics (formerly Invitae), Labcorp
Classification: Uncertain significance. Last evaluated: 2022-08-16. Review status: criteria provided, single submitter. Criteria: Invitae Variant Classification Sherloc (09022015). Collection method: clinical testing. Allele origin: germline.
Comment: This sequence change replaces valine, which is neutral and non-polar, with alanine, which is neutral and non-polar, at codon 2700 of the CDH23 protein (p.Val2700Ala). This variant is not present in population databases (gnomAD no frequency). This variant has not been reported in the literature in individuals affected with CDH23-related conditions. Algorithms developed to predict the effect of missense changes on protein structure and function are either unavailable or do not agree on the potential impact of this missense change (SIFT: "Tolerated"; PolyPhen-2: "Not Available"; Align-GVGD: "Class C0"). In summary, the available evidence is currently insufficient to determine the role of this variant in disease. Therefore, it has been classified as a Variant of Uncertain Significance.

NM_022124.6(CDH23):c.8099T>C (p.Val2700Ala)

Gene: CDH23 (cadherin related 23; plus strand). Cytogenetic location: 10q22.1.
Variant type: single nucleotide variant.
Coding change: c.8099T>C on transcript NM_022124.6 (MANE Select); coding-DNA position 8099, T replaced by C.
Protein change: p.Val2700Ala; replaces valine 2700 with alanine.
Molecular consequence: missense variant.
Genome position (GRCh38, 1-based): chr10:71,806,202, T>C. VCF-style: chr10-71806202-T-C. GRCh37 (hg19) VCF-style: chr10-73565959-T-C.
Other names: c.1379T>C, p.Val460Ala (NM_001171933.1, NM_001171934.1); short protein forms V2700A, V460A.
Identifiers: ClinVar variation 1956767 (VCV001956767.2), dbSNP rs1364611370, ClinGen allele CA377162348.